The following is an entry in ClinVar:

NM_004525.3(LRP2):c.1235G>A (p.Arg412Lys)

Gene: LRP2 (LDL receptor related protein 2; minus strand). Cytogenetic location: 2q31.1.
Variant type: single nucleotide variant.
Coding change: c.1235G>A on transcript NM_004525.3 (MANE Select); coding-DNA position 1235, G replaced by A.
Protein change: p.Arg412Lys; replaces arginine 412 with lysine.
Molecular consequence: missense variant.
Genome position (GRCh38, 1-based): chr2:169,280,456, C>T on the plus strand (G>A on the coding strand, the complement: LRP2 is on the minus strand). VCF-style: chr2-169280456-C-T. GRCh37 (hg19) VCF-style: chr2-170136966-C-T.
Other names: short protein forms R412K.
Identifiers: ClinVar variation 1905978 (VCV001905978.5), dbSNP rs1683671307, ClinGen allele CA349150375.

ClinVar aggregate classification (germline): Uncertain significance (1 of 4 stars; one submission).

Allele frequency attached by ClinVar (database versions not stated): TOPMed below 0.00001.

Submission:

Labcorp Genetics (formerly Invitae), Labcorp
Classification: Uncertain significance. Last evaluated: 2023-08-04. Review status: criteria provided, single submitter. Criteria: Invitae Variant Classification Sherloc (09022015). Collection method: clinical testing. Allele origin: germline.
Comment: This sequence change replaces arginine, which is basic and polar, with lysine, which is basic and polar, at codon 412 of the LRP2 protein (p.Arg412Lys). This variant is not present in population databases (gnomAD no frequency). In summary, the available evidence is currently insufficient to determine the role of this variant in disease. Therefore, it has been classified as a Variant of Uncertain Significance. Advanced modeling of protein sequence and biophysical properties (such as structural, functional, and spatial information, amino acid conservation, physicochemical variation, residue mobility, and thermodynamic stability) performed at Invitae indicates that this missense variant is not expected to disrupt LRP2 protein function. ClinVar contains an entry for this variant (Variation ID: 1905978). This variant has not been reported in the literature in individuals affected with LRP2-related conditions.